The following is an entry in ClinVar:

ClinVar aggregate classification (germline): Uncertain significance (1 of 4 stars; one submission).

Conditions:
TNF receptor-associated periodic fever syndrome (TRAPS) (FPF). Also called: TNF receptor 1-associated periodic fever syndrome; FAMILIAL HIBERNIAN FEVER; TNF RECEPTOR-ASSOCIATED PERIODIC SYNDROME; TUMOR NECROSIS FACTOR RECEPTOR-ASSOCIATED PERIODIC SYNDROME; Autosomal Dominant Familial Periodic Fever; TNF Receptor-Associated Periodic Fever Syndrome. Identifiers: Orphanet 32960, MedGen C1275126, MONDO:0007727, OMIM 142680.

Submission:

Labcorp Genetics (formerly Invitae), Labcorp
Classification: Uncertain significance for TNF receptor-associated periodic fever syndrome (TRAPS). Last evaluated: 2022-05-29. Review status: criteria provided, single submitter. Criteria: Invitae Variant Classification Sherloc (09022015). Collection method: clinical testing. Allele origin: germline.
Comment: In summary, the available evidence is currently insufficient to determine the role of this variant in disease. Therefore, it has been classified as a Variant of Uncertain Significance. This sequence change falls in intron 3 of the TNFRSF1A gene. It does not directly change the encoded amino acid sequence of the TNFRSF1A protein. It affects a nucleotide within the consensus splice site. This variant is not present in population databases (gnomAD no frequency). This variant has not been reported in the literature in individuals affected with TNFRSF1A-related conditions. Variants that disrupt the consensus splice site are a relatively common cause of aberrant splicing (PMID: 17576681, 9536098). Algorithms developed to predict the effect of sequence changes on RNA splicing suggest that this variant is not likely to affect RNA splicing.

Literature cited by the submitters: PubMed 17576681; PubMed 9536098.

NM_001065.4(TNFRSF1A):c.323-3C>T

Gene: TNFRSF1A (TNF receptor superfamily member 1A; minus strand). Cytogenetic location: 12p13.31.
Variant type: single nucleotide variant.
Coding change: c.323-3C>T on transcript NM_001065.4 (MANE Select); 3 bases into the intron before coding-DNA position 323, C replaced by T.
Molecular consequence: intron variant.
Genome position (GRCh38, 1-based): chr12:6,333,519, G>A on the plus strand (C>T on the coding strand, the complement: TNFRSF1A is on the minus strand). VCF-style: chr12-6333519-G-A. GRCh37 (hg19) VCF-style: chr12-6442685-G-A.
Other names: c.-2-3C>T (NM_001346091.2); c.-255-3C>T (NM_001346092.2).
Identifiers: ClinVar variation 1977716 (VCV001977716.5), dbSNP rs1328399119, ClinGen allele CA2580086240.